The following is an entry in ClinVar:

NM_198586.3(NHLRC1):c.146T>C (p.Val49Ala)

Gene: NHLRC1 (NHL repeat containing E3 ubiquitin protein ligase 1; minus strand). Cytogenetic location: 6p22.3.
Variant type: single nucleotide variant.
Coding change: c.146T>C on transcript NM_198586.3 (MANE Select); coding-DNA position 146, T replaced by C.
Protein change: p.Val49Ala; replaces valine 49 with alanine.
Molecular consequence: missense variant.
Genome position (GRCh38, 1-based): chr6:18,122,461, A>G on the plus strand (T>C on the coding strand, the complement: NHLRC1 is on the minus strand). VCF-style: chr6-18122461-A-G. GRCh37 (hg19) VCF-style: chr6-18122692-A-G.
Other names: short protein forms V49A.
Identifiers: ClinVar variation 1302555 (VCV001302555.2), dbSNP rs760631929, ClinGen allele CA3650036.

ClinVar aggregate classification (germline): Uncertain significance (1 of 4 stars; one submission).

Allele frequency attached by ClinVar (database versions not stated): gnomAD 0.00001; gnomAD exomes 0.00001 and 0.00002; ExAC 0.00002; TOPMed 0.00004.
gnomAD v4.1: 20 of 1,595,760 alleles (0.0013%); highest among the groups gnomAD compares: Non-Finnish European, 0.0017%; no homozygotes.

Submission:

GeneDx
Classification: Uncertain significance. Last evaluated: 2019-04-10. Review status: criteria provided, single submitter. Criteria: GeneDx Variant Classification Process June 2021. Collection method: clinical testing. Allele origin: germline. Affected: yes.
Comment: Not observed at a significant frequency in large population cohorts (Lek et al., 2016); In silico analysis, which includes protein predictors and evolutionary conservation, supports that this variant does not alter protein structure/function; Has not been previously published as pathogenic or benign to our knowledge